The following is an entry in ClinVar:

NM_003924.4(PHOX2B):c.7A>G (p.Lys3Glu)

Genes: PHOX2B-AS1 (PHOX2B antisense RNA 1; plus strand), PHOX2B (paired like homeobox 2B; minus strand). Cytogenetic location: 4p13.
Variant type: single nucleotide variant.
Coding change: c.7A>G on transcript NM_003924.4 (MANE Select); coding-DNA position 7, A replaced by G.
Protein change: p.Lys3Glu; replaces lysine 3 with glutamic acid.
Molecular consequence: missense variant.
Genome position (GRCh38, 1-based): chr4:41,748,604, T>C on the plus strand (A>G on the coding strand, the complement: PHOX2B is on the minus strand). VCF-style: chr4-41748604-T-C. GRCh37 (hg19) VCF-style: chr4-41750621-T-C.
Other names: short protein forms K3E.
Identifiers: ClinVar variation 4665927 (VCV004665927.1).
Genomic context (GRCh38, chr4:41,748,604, plus strand): 5'-TGTCCATCCCAGCCATACAGGACTCGTAGGCAGAGGAATTGAGGTAAGAATATTCCATTT[T>C]ATACATTGAAAAGGTTCTGGATGGCTCAGCCAAGTGGAAAAATGAAATAAAAGATGGATA-3'
Protein context (NP_003915.2, residues 1-13): MY[Lys3Glu]MEYSYLNSSA

ClinVar aggregate classification (germline): Uncertain significance (1 of 4 stars; one submission).

Conditions:
Hereditary cancer-predisposing syndrome. Also called: Neoplastic Syndromes, Hereditary; Tumor predisposition; Hereditary Cancer Syndrome; Hereditary neoplastic syndrome. Identifiers: Orphanet 140162, MedGen C0027672, MeSH D009386, MONDO:0015356.

Submission:

Ambry Genetics
Classification: Uncertain significance for Hereditary cancer-predisposing syndrome. Last evaluated: 2025-09-26. Review status: criteria provided, single submitter. Criteria: Ambry Variant Classification Scheme 2023. Collection method: clinical testing. Allele origin: germline.
Comment: The p.K3E variant (also known as c.7A>G), located in coding exon 1 of the PHOX2B gene, results from an A to G substitution at nucleotide position 7. The lysine at codon 3 is replaced by glutamic acid, an amino acid with similar properties. This amino acid position is conserved. In addition, this alteration is predicted to be deleterious by in silico analysis. Based on the available evidence, the clinical significance of this variant remains unclear.